The following is an entry in ClinVar:

NM_000089.4(COL1A2):c.1289G>A (p.Gly430Glu)

Gene: COL1A2 (collagen type I alpha 2 chain; plus strand). Cytogenetic location: 7q21.3.
Variant type: single nucleotide variant.
Coding change: c.1289G>A on transcript NM_000089.4 (MANE Select); coding-DNA position 1289, G replaced by A.
Protein change: p.Gly430Glu; replaces glycine 430 with glutamic acid.
Molecular consequence: missense variant.
Genome position (GRCh38, 1-based): chr7:94,411,093, G>A. VCF-style: chr7-94411093-G-A. GRCh37 (hg19) VCF-style: chr7-94040405-G-A.
Other names: short protein forms G430E.
Identifiers: ClinVar variation 860577 (VCV000860577.1), dbSNP rs1791913210, ClinGen allele CA368221545.

ClinVar aggregate classification (germline): Pathogenic (1 of 4 stars; one submission).

Conditions:
Ehlers-Danlos syndrome, classic type (cEDS). Identifiers: Orphanet 287, MedGen C4225429, MONDO:0007522.
Osteogenesis imperfecta type I (OI1). Also called: OI, TYPE I; OSTEOGENESIS IMPERFECTA TARDA; OSTEOGENESIS IMPERFECTA WITH BLUE SCLERAE; Osteogenesis imperfecta type 1; Lobstein disease; Lobstein's Disease. Identifiers: Orphanet 216796, Orphanet 666, MedGen C0023931, MONDO:0008146, OMIM 166200. Disease mechanism: loss of function.

Submission:

Labcorp Genetics (formerly Invitae), Labcorp
Classification: Pathogenic for Osteogenesis imperfecta type I; Ehlers-Danlos syndrome, type 1. Last evaluated: 2019-04-16. Review status: criteria provided, single submitter. Criteria: Invitae Variant Classification Sherloc (09022015). Collection method: clinical testing. Allele origin: germline.
Comment: This sequence change replaces glycine with glutamic acid at codon 430 of the COL1A2 protein (p.Gly430Glu). The glycine residue is highly conserved and there is a moderate physicochemical difference between glycine and glutamic acid. This variant is not present in population databases (ExAC no frequency). Glycine residues within the Gly-Xaa-Yaa repeats of the triple helix domain are required for the structure and stability of fibrillar collagens (PMID: 7695699, 8218237, 19344236). In COL1A2, missense variants at these glycine residues are significantly enriched in individuals with disease (PMID: 9016532, 17078022) compared to the general population (ExAC) For these reasons, this variant has been classified as Pathogenic.

Literature cited by the submitters: PubMed 19344236; PubMed 17078022; PubMed 8218237; PubMed 7695699; PubMed 9016532.